The following is an entry in ClinVar:

ClinVar aggregate classification (germline): Uncertain significance. Review status: criteria provided, multiple submitters, no conflicts (2 of 4 stars). 4 submissions from 4 submitters: Uncertain significance (4). Last evaluated 2026-10-01.

Conditions:
Mulibrey nanism syndrome. Also called: MUSCLE-LIVER-BRAIN-EYE NANISM; PERHEENTUPA SYNDROME; PERICARDIAL CONSTRICTION AND GROWTH FAILURE. Identifiers: Orphanet 2576, MedGen C0524582, MONDO:0009664, OMIM 253250.
Inborn genetic diseases. Identifiers: MedGen C0950123, MeSH D030342.

Allele frequency attached by ClinVar (database versions not stated): gnomAD 0.00004; gnomAD exomes 0.00006; TOPMed 0.00006; ExAC 0.00009.
gnomAD v4.1: 92 of 1,613,398 alleles (0.0057%); highest among the groups gnomAD compares: East Asian, 0.18%; no homozygotes.

Submissions (4):

St. Jude Molecular Pathology, St. Jude Children's Research Hospital
Classification: Uncertain significance for Mulibrey nanism syndrome. Last evaluated: 2026-10-01. Review status: criteria provided, single submitter. Criteria: St. Jude Assertion Criteria 2020. Collection method: clinical testing. Allele origin: germline.
Comment: The TRIM37 c.2834A>G p.(Asp945Gly) missense change has a ma ximum subpopulation frequency of % in gnomAD v2.1.1. The in silico tool REVEL predicts a benign effect on protein function, but to our knowledge this prediction has not been confirmed by functional studies. To our know ledge, this variant has not been reported in individuals with Mulibrey nanism. In summary, the evidence currently available is insufficient to determine the clinical significance of this variant. It has therefore been classified as of uncertain significance.

Blueprint Genetics
Classification: Uncertain significance. Last evaluated: 2024-02-23. Review status: criteria provided, single submitter. Criteria: ACMG Guidelines, 2015. Collection method: clinical testing. Allele origin: germline.

Ambry Genetics
Classification: Uncertain significance for Inborn genetic diseases. Last evaluated: 2023-10-13. Review status: criteria provided, single submitter. Criteria: Ambry Variant Classification Scheme 2023. Collection method: clinical testing. Allele origin: germline.

Labcorp Genetics (formerly Invitae), Labcorp
Classification: Uncertain significance. Last evaluated: 2022-03-20. Review status: criteria provided, single submitter. Criteria: Invitae Variant Classification Sherloc (09022015). Collection method: clinical testing. Allele origin: germline.
Comment: This sequence change replaces aspartic acid, which is acidic and polar, with glycine, which is neutral and non-polar, at codon 945 of the TRIM37 protein (p.Asp945Gly). This variant is present in population databases (rs759490070, gnomAD 0.1%). This variant has not been reported in the literature in individuals affected with TRIM37-related conditions. Algorithms developed to predict the effect of missense changes on protein structure and function are either unavailable or do not agree on the potential impact of this missense change (SIFT: "Not Available"; PolyPhen-2: "Benign"; Align-GVGD: "Not Available"). In summary, the available evidence is currently insufficient to determine the role of this variant in disease. Therefore, it has been classified as a Variant of Uncertain Significance.

NM_015294.6(TRIM37):c.2834A>G (p.Asp945Gly)

Gene: TRIM37 (tripartite motif containing 37; minus strand). Cytogenetic location: 17q22.
Variant type: single nucleotide variant.
Coding change: c.2834A>G on transcript NM_015294.6 (MANE Select); coding-DNA position 2834, A replaced by G.
Protein change: p.Asp945Gly; replaces aspartic acid 945 with glycine.
Molecular consequence: missense variant. On other transcripts: non-coding transcript variant (2).
Genome position (GRCh38, 1-based): chr17:58,999,438, T>C on the plus strand (A>G on the coding strand, the complement: TRIM37 is on the minus strand). VCF-style: chr17-58999438-T-C. GRCh37 (hg19) VCF-style: chr17-57076799-T-C.
Other names: c.2834A>G, p.Asp945Gly (NM_001005207.5); c.2732A>G, p.Asp911Gly (NM_001320987.3); c.2717A>G, p.Asp906Gly (NM_001320988.3, NM_001320989.3); c.2351A>G, p.Asp784Gly (NM_001320990.3); c.2759A>G, p.Asp920Gly (NM_001353082.2); c.2099A>G, p.Asp700Gly (NM_001353083.2); c.2861A>G, p.Asp954Gly (NM_001353084.2); c.2372A>G, p.Asp791Gly (NM_001353085.2); and 2 more; short protein forms D906G, D928G, D945G, D700G, D911G, D920G, D784G, D791G.
Identifiers: ClinVar variation 2054187 (VCV002054187.4), dbSNP rs759490070, ClinGen allele CA8677911.